The following is an entry in ClinVar:

NM_001145809.2(MYH14):c.4585C>T (p.Arg1529Cys)

Gene: MYH14 (myosin heavy chain 14; plus strand). Cytogenetic location: 19q13.33.
Variant type: single nucleotide variant.
Coding change: c.4585C>T on transcript NM_001145809.2 (MANE Select); coding-DNA position 4585, C replaced by T.
Protein change: p.Arg1529Cys; replaces arginine 1529 with cysteine.
Molecular consequence: missense variant.
Genome position (GRCh38, 1-based): chr19:50,286,527, C>T. VCF-style: chr19-50286527-C-T. GRCh37 (hg19) VCF-style: chr19-50789784-C-T.
Other names: p.Arg1488Cys; c.4486C>T, p.Arg1496Cys (NM_001077186.2); c.4462C>T, p.Arg1488Cys (NM_024729.4); short protein forms R1496C, R1529C, R1488C.
Identifiers: ClinVar variation 892901 (VCV000892901.31), dbSNP rs758821769, ClinGen allele CA9593552.

ClinVar aggregate classification (germline): Conflicting classifications of pathogenicity. Review status: criteria provided, conflicting classifications (1 of 4 stars). 4 submissions from 4 submitters: Uncertain significance (3); Likely benign (1). Last evaluated 2025-07-12.

Conditions:
Autosomal dominant nonsyndromic hearing loss 4A. Also called: Deafness, autosomal dominant 4A. Identifiers: Orphanet 90635, MedGen C1833503, MONDO:0010915, OMIM 600652.

Allele frequency attached by ClinVar (database versions not stated): gnomAD exomes 0.00001 and 0.00002; ExAC 0.00003.
gnomAD v4.1: 16 of 1,613,496 alleles (0.00099%); highest among the groups gnomAD compares: Admixed American, 0.0017%; no homozygotes.

Submissions (4):

Mayo Clinic Laboratories, Mayo Clinic
Classification: Uncertain significance. Last evaluated: 2025-07-12. Review status: criteria provided, single submitter. Criteria: ACMG Guidelines, 2015. Collection method: clinical testing. Allele origin: germline. Observed: 1 variant allele.

Labcorp Genetics (formerly Invitae), Labcorp
Classification: Uncertain significance. Last evaluated: 2024-06-16. Review status: criteria provided, single submitter. Criteria: Invitae Variant Classification Sherloc (09022015). Collection method: clinical testing. Allele origin: germline.
Comment: This sequence change replaces arginine, which is basic and polar, with cysteine, which is neutral and slightly polar, at codon 1488 of the MYH14 protein (p.Arg1488Cys). This variant is present in population databases (rs758821769, gnomAD 0.003%). This variant has not been reported in the literature in individuals affected with MYH14-related conditions. ClinVar contains an entry for this variant (Variation ID: 892901). Advanced modeling of protein sequence and biophysical properties (such as structural, functional, and spatial information, amino acid conservation, physicochemical variation, residue mobility, and thermodynamic stability) performed at Invitae indicates that this missense variant is expected to disrupt MYH14 protein function with a positive predictive value of 80%. In summary, the available evidence is currently insufficient to determine the role of this variant in disease. Therefore, it has been classified as a Variant of Uncertain Significance.

CeGaT Center for Human Genetics Tuebingen
Classification: Likely benign. Last evaluated: 2023-09-01. Review status: criteria provided, single submitter. Criteria: CeGaT Center For Human Genetics Tuebingen Variant Classification Criteria Version 2. Collection method: clinical testing. Allele origin: germline. Affected: yes. Observed: 1 variant allele.
Comment: MYH14: PP3, BS2

Illumina Laboratory Services, Illumina
Classification: Uncertain significance for Autosomal dominant nonsyndromic hearing loss 4A. Last evaluated: 2018-01-13. Review status: criteria provided, single submitter. Criteria: ICSL Variant Classification Criteria 13 December 2019. Collection method: clinical testing. Allele origin: germline.